The following is an entry in ClinVar:

ClinVar aggregate classification (germline): Uncertain significance. Review status: criteria provided, multiple submitters, no conflicts (2 of 4 stars). 2 submissions from 2 submitters: Uncertain significance (2). Last evaluated 2026-07-21.

Conditions:
TTN-related disorder. Also called: TTN-related condition; TTN-related disease; TTN-related disorders.
Dilated cardiomyopathy 1G (CMD1G). Identifiers: Orphanet 154, MedGen C1858763, MONDO:0011400, OMIM 604145.
Autosomal recessive limb-girdle muscular dystrophy type 2J (LGMDR10). Also called: MUSCULAR DYSTROPHY, LIMB-GIRDLE, AUTOSOMAL RECESSIVE 10; Limb-girdle muscular dystrophy, type 2J. Identifiers: Orphanet 140922, MedGen C1837342, MONDO:0012127, OMIM 608807.

Allele frequency attached by ClinVar (database versions not stated): gnomAD 0.00001; gnomAD exomes 0.00001; TOPMed 0.00001.

Submissions (2):

PreventionGenetics, part of Exact Sciences
Classification: Uncertain significance for TTN-related condition. Last evaluated: 2026-07-21. Review status: criteria provided, single submitter. Criteria: ACMG Guidelines, 2015. Collection method: clinical testing. Allele origin: germline.
Comment: The TTN c.26275A>G variant is predicted to result in the amino acid substitution p.Ile8759Val. To our knowledge, this variant has not been reported in the literature. This variant is reported in 0.0080% of alleles in individuals of European (Finnish) descent in gnomAD. At this time, the clinical significance of this variant is uncertain due to the absence of conclusive functional and genetic evidence.

Labcorp Genetics (formerly Invitae), Labcorp
Classification: Uncertain significance for Dilated cardiomyopathy 1G; Autosomal recessive limb-girdle muscular dystrophy type 2J. Last evaluated: 2017-12-06. Review status: criteria provided, single submitter. Criteria: Invitae Variant Classification Sherloc (09022015). Collection method: clinical testing. Allele origin: germline.

NM_001267550.2(TTN):c.26275A>G (p.Ile8759Val)

Gene: TTN (titin; minus strand). Cytogenetic location: 2q31.2.
Variant type: single nucleotide variant.
Coding change: c.26275A>G on transcript NM_001267550.2 (MANE Select); coding-DNA position 26275, A replaced by G.
Protein change: p.Ile8759Val; replaces isoleucine 8759 with valine.
Molecular consequence: missense variant. On other transcripts: intron variant (3).
Genome position (GRCh38, 1-based): chr2:178,714,499, T>C on the plus strand (A>G on the coding strand, the complement: TTN is on the minus strand). VCF-style: chr2-178714499-T-C. GRCh37 (hg19) VCF-style: chr2-179579226-T-C.
Other names: c.25324A>G, p.Ile8442Val (NM_001256850.1); c.22543A>G, p.Ile7515Val (NM_133378.4); c.13282+23583A>G (NM_003319.4); c.13858+23583A>G (NM_133437.4); c.13657+23583A>G (NM_133432.3); short protein forms I8759V, I7515V, I8442V.
Identifiers: ClinVar variation 535196 (VCV000535196.4), dbSNP rs1317485542, ClinGen allele CA349471748.
Genomic context (GRCh38, chr2:178,714,499, plus strand): 5'-CTCTAACGATTTCTCCCTTATCTTTGAACCACACCACTGAAATGGGTTCAGCGCCTTCAA[T>C]GGTAGTCTGCAGCTGAACTTCTTTACCAACGACAGTAGATATGTCACTGAGCTTCTTCAC-3'
Protein context (NP_001254479.2, residues 8749-8769): VGKEVQLQTT[Ile8759Val]EGAEPISVVW